The following is an entry in ClinVar:

NM_001163435.3(TBCK):c.1872C>T (p.Ile624=)

Gene: TBCK (TBC1 domain containing kinase; minus strand). Cytogenetic location: 4q24.
Variant type: single nucleotide variant.
Coding change: c.1872C>T on transcript NM_001163435.3 (MANE Select); coding-DNA position 1872, C replaced by T.
Protein change: p.Ile624=; no amino-acid change (isoleucine 624 retained).
Molecular consequence: synonymous variant.
Genome position (GRCh38, 1-based): chr4:106,194,743, G>A on the plus strand (C>T on the coding strand, the complement: TBCK is on the minus strand). VCF-style: chr4-106194743-G-A. GRCh37 (hg19) VCF-style: chr4-107115900-G-A.
Other names: c.1872C>T, p.Ile624= (NM_001163436.4); c.1755C>T, p.Ile585= (NM_001163437.3); c.1356C>T, p.Ile452= (NM_001290768.2); c.1683C>T, p.Ile561= (NM_033115.5).
Identifiers: ClinVar variation 756920 (VCV000756920.9), dbSNP rs1002274809, ClinGen allele CA102810615.

ClinVar aggregate classification (germline): Likely benign. Review status: criteria provided, single submitter (1 of 4 stars). 2 submissions from 2 submitters: Likely benign (1). 1 of the submissions does not count toward it. Last evaluated 2024-05-02.

Conditions:
TBCK-related disorder. Also called: TBCK-related condition; TBCK-related disorders.

Allele frequency attached by ClinVar (database versions not stated): gnomAD exomes 0.00001; TOPMed 0.00001.
gnomAD v4.1: 9 of 1,585,730 alleles (0.00057%); highest among the groups gnomAD compares: South Asian, 0.0023%; no homozygotes.

Submissions (2):

Labcorp Genetics (formerly Invitae), Labcorp
Classification: Likely benign. Last evaluated: 2024-05-02. Review status: criteria provided, single submitter. Criteria: Invitae Variant Classification Sherloc (09022015). Collection method: clinical testing. Allele origin: germline.

PreventionGenetics, part of Exact Sciences
Classification: Likely benign for TBCK-related condition. Last evaluated: 2020-09-01. Review status: no assertion criteria provided. Collection method: clinical testing. Allele origin: germline. Not counted in ClinVar's aggregate classification.
Comment: This variant is classified as likely benign based on ACMG/AMP sequence variant interpretation guidelines (Richards et al. 2015 PMID: 25741868, with internal and published modifications).